The following is an entry in ClinVar:

NM_015335.5(MED13L):c.79C>T (p.Leu27Phe)

Gene: MED13L (mediator complex subunit 13L; minus strand). Cytogenetic location: 12q24.21.
Variant type: single nucleotide variant.
Coding change: c.79C>T on transcript NM_015335.5 (MANE Select); coding-DNA position 79, C replaced by T.
Protein change: p.Leu27Phe; replaces leucine 27 with phenylalanine.
Molecular consequence: missense variant.
Genome position (GRCh38, 1-based): chr12:116,237,699, G>A on the plus strand (C>T on the coding strand, the complement: MED13L is on the minus strand). VCF-style: chr12-116237699-G-A. GRCh37 (hg19) VCF-style: chr12-116675504-G-A.
Other names: short protein forms L27F.
Identifiers: ClinVar variation 2501951 (VCV002501951.4), dbSNP rs1379524685, ClinGen allele CA386927714.

ClinVar aggregate classification (germline): Conflicting classifications of pathogenicity. Review status: criteria provided, conflicting classifications (1 of 4 stars). 3 submissions from 3 submitters: Uncertain significance (2); Likely benign (1). Last evaluated 2026-01-26.

Conditions:
Dextro-looped transposition of the great arteries. Also called: Dextrotransposition of the great arteries. Identifiers: Orphanet 860, MedGen C3531771, MONDO:0019443, OMIM 608808, HP:0031348.
Inborn genetic diseases. Identifiers: MedGen C0950123, MeSH D030342.

Allele frequency attached by ClinVar (database versions not stated): gnomAD exomes 0.00001; TOPMed 0.00001; gnomAD 0.00002.
gnomAD v4.1: 7 of 1,613,938 alleles (0.00043%); highest among the groups gnomAD compares: Admixed American, 0.01%; no homozygotes.

Submissions (3):

Ambry Genetics
Classification: Likely benign for Inborn genetic diseases. Last evaluated: 2026-01-26. Review status: criteria provided, single submitter. Criteria: Ambry Variant Classification Scheme 2023. Collection method: clinical testing. Allele origin: germline.

Labcorp Genetics (formerly Invitae), Labcorp
Classification: Uncertain significance for Dextro-looped transposition of the great arteries. Last evaluated: 2025-03-06. Review status: criteria provided, single submitter. Criteria: Invitae Variant Classification Sherloc (09022015). Collection method: clinical testing. Allele origin: germline.
Comment: This sequence change replaces leucine, which is neutral and non-polar, with phenylalanine, which is neutral and non-polar, at codon 27 of the MED13L protein (p.Leu27Phe). This variant is present in population databases (no rsID available, gnomAD 0.01%). This variant has not been reported in the literature in individuals affected with MED13L-related conditions. ClinVar contains an entry for this variant (Variation ID: 2501951). Invitae Evidence Modeling of protein sequence and biophysical properties (such as structural, functional, and spatial information, amino acid conservation, physicochemical variation, residue mobility, and thermodynamic stability) indicates that this missense variant is not expected to disrupt MED13L protein function with a negative predictive value of 80%. In summary, the available evidence is currently insufficient to determine the role of this variant in disease. Therefore, it has been classified as a Variant of Uncertain Significance.

GeneDx
Classification: Uncertain significance. Last evaluated: 2022-11-10. Review status: criteria provided, single submitter. Criteria: GeneDx Variant Classification Process June 2021. Collection method: clinical testing. Allele origin: germline. Affected: yes.
Comment: In silico analysis supports that this missense variant has a deleterious effect on protein structure/function; Has not been previously published as pathogenic or benign to our knowledge